The following is an entry in ClinVar:

NM_000548.5(TSC2):c.5299C>A (p.Leu1767Met)

Gene: TSC2 (TSC complex subunit 2; plus strand). Cytogenetic location: 16p13.3.
Variant type: single nucleotide variant.
Coding change: c.5299C>A on transcript NM_000548.5 (MANE Select); coding-DNA position 5299, C replaced by A.
Protein change: p.Leu1767Met; replaces leucine 1767 with methionine.
Molecular consequence: missense variant.
Genome position (GRCh38, 1-based): chr16:2,088,485, C>A. VCF-style: chr16-2088485-C-A. GRCh37 (hg19) VCF-style: chr16-2138486-C-A.
Other names: c.5299C>A (NM_000548.3); c.5098C>A, p.Leu1700Met (NM_001077183.3); c.5230C>A, p.Leu1744Met (NM_001114382.3); c.4990C>A, p.Leu1664Met (NM_001318827.2); c.4954C>A, p.Leu1652Met (NM_001318829.2); c.4567C>A, p.Leu1523Met (NM_001318831.2); c.5131C>A, p.Leu1711Met (NM_001318832.2); c.5101C>A, p.Leu1701Met (NM_001363528.2); and 3 more; short protein forms L1664M, L1767M, L1720M, L1744M, L1523M, L1711M, L1723M, L1724M.
Identifiers: ClinVar variation 1516408 (VCV001516408.10), dbSNP rs1051758, ClinGen allele CA276759934.
Genomic context (GRCh38, chr16:2,088,485, plus strand): 5'-CCAAGCCGCCTCTGCCTTCAGATCTGCGAGGAAGCCGCCTACTCCAACCCCAGCCTACCT[C>A]TGGTGCACCCTCCGTCCCATAGCAAAGCCCCTGCACAGACTCCAGCCGAGCCCACACCTG-3'
Protein context (NP_000539.2, residues 1757-1777): EAAYSNPSLP[Leu1767Met]VHPPSHSKAP

ClinVar aggregate classification (germline): Uncertain significance. Review status: criteria provided, multiple submitters, no conflicts (2 of 4 stars). 3 submissions from 3 submitters: Uncertain significance (3). Last evaluated 2024-11-05.

Conditions:
Hereditary cancer-predisposing syndrome. Also called: Neoplastic Syndromes, Hereditary; Hereditary Cancer Syndrome; Tumor predisposition; Hereditary neoplastic syndrome. Identifiers: Orphanet 140162, MedGen C0027672, MeSH D009386, MONDO:0015356.
Tuberous sclerosis 2 (TSC2). Identifiers: Orphanet 805, MedGen C1860707, MONDO:0013199, OMIM 613254.

Submissions (3):

Ambry Genetics
Classification: Uncertain significance for Hereditary cancer-predisposing syndrome. Last evaluated: 2024-11-05. Review status: criteria provided, single submitter. Criteria: Ambry Variant Classification Scheme 2023. Collection method: clinical testing. Allele origin: germline.
Comment: The p.L1767M variant (also known as c.5299C>A), located in coding exon 41 of the TSC2 gene, results from a C to A substitution at nucleotide position 5299. The leucine at codon 1767 is replaced by methionine, an amino acid with highly similar properties. This amino acid position is conserved. In addition, the in silico prediction for this alteration is inconclusive. Based on the available evidence, the clinical significance of this variant remains unclear.

Labcorp Genetics (formerly Invitae), Labcorp
Classification: Uncertain significance for Tuberous sclerosis 2. Last evaluated: 2024-09-23. Review status: criteria provided, single submitter. Criteria: Invitae Variant Classification Sherloc (09022015). Collection method: clinical testing. Allele origin: germline.
Comment: This sequence change replaces leucine, which is neutral and non-polar, with methionine, which is neutral and non-polar, at codon 1767 of the TSC2 protein (p.Leu1767Met). This variant is not present in population databases (gnomAD no frequency). This variant has not been reported in the literature in individuals affected with TSC2-related conditions. ClinVar contains an entry for this variant (Variation ID: 1516408). Invitae Evidence Modeling of protein sequence and biophysical properties (such as structural, functional, and spatial information, amino acid conservation, physicochemical variation, residue mobility, and thermodynamic stability) indicates that this missense variant is not expected to disrupt TSC2 protein function with a negative predictive value of 95%. In summary, the available evidence is currently insufficient to determine the role of this variant in disease. Therefore, it has been classified as a Variant of Uncertain Significance.

GeneDx
Classification: Uncertain significance. Last evaluated: 2023-11-14. Review status: criteria provided, single submitter. Criteria: GeneDx Variant Classification Process June 2021. Collection method: clinical testing. Allele origin: germline. Affected: yes.
Comment: Not observed at significant frequency in large population cohorts (gnomAD); In silico analysis supports that this missense variant does not alter protein structure/function; Has not been previously published as pathogenic or benign to our knowledge